The following is an entry in ClinVar:

ClinVar aggregate classification (germline): Likely pathogenic. Review status: criteria provided, single submitter (1 of 4 stars). 2 submissions from 2 submitters: Likely pathogenic (1). 1 of the submissions does not count toward it. Last evaluated 2018-10-15.

Conditions:
Short-rib thoracic dysplasia 7 with or without polydactyly (SRTD7). Also called: Short rib polydactyly syndrome 5; SHORT-RIB THORACIC DYSPLASIA 7 WITH POLYDACTYLY. Identifiers: Orphanet 498497, Orphanet 93271, MedGen C3279792, MONDO:0013569, OMIM 614091.
Short rib-polydactyly syndrome. Identifiers: Orphanet 1505, MedGen C0036996, MONDO:0015461.

Allele frequency attached by ClinVar (database versions not stated): TOPMed 0.00001.

Submissions (2):

SIB Swiss Institute of Bioinformatics
Classification: Likely pathogenic for Short-rib thoracic dysplasia 7 with or without polydactyly. Last evaluated: 2018-10-15. Review status: criteria provided, single submitter. Criteria: ACMG Guidelines, 2015. Collection method: curation. Allele origin: germline.
Comment: This variant is interpreted as Likely Pathogenic, for Short-rib thoracic dysplasia 7 with or without polydactyly, autosomal recessive. The following ACMG Tag(s) were applied: PM2 => Absent from controls (or at extremely low frequency if recessive) in Exome Sequencing Project, 1000 Genomes Project, or Exome Aggregation Consortium. PS3 => Well-established functional studies show a deleterious effect (PubMed 28400947). PM3 => For recessive disorders, detected in trans with a pathogenic variant (PubMed 28400947).

University of Washington Center for Mendelian Genomics, University of Washington
Classification: Likely pathogenic for Short Rib Polydactyly Syndrome. Last evaluated: 2017-03-30. Review status: no assertion criteria provided. Collection method: research. Allele origin: unknown. Affected: yes. Observed: 1 compound heterozygote. Not counted in ClinVar's aggregate classification.

Literature cited by the submitters: PubMed 28400947 (cited by SIB Swiss Institute of Bioinformatics and University of Washington Center for Mendelian Genomics, University of Washington).

NM_020779.4(WDR35):c.1400G>A (p.Arg467Lys)

Gene: WDR35 (WD repeat domain 35; minus strand). Cytogenetic location: 2p24.1.
Variant type: single nucleotide variant.
Coding change: c.1400G>A on transcript NM_020779.4 (MANE Select); coding-DNA position 1400, G replaced by A.
Protein change: p.Arg467Lys; replaces arginine 467 with lysine.
Molecular consequence: missense variant.
Genome position (GRCh38, 1-based): chr2:19,953,834, C>T on the plus strand (G>A on the coding strand, the complement: WDR35 is on the minus strand). VCF-style: chr2-19953834-C-T. GRCh37 (hg19) VCF-style: chr2-20153595-C-T.
Other names: c.1433G>A, p.Arg478Lys (NM_001006657.2); short protein forms R478K, R467K.
Identifiers: ClinVar variation 617905 (VCV000617905.2), dbSNP rs1558342399, ClinGen allele CA345945457.